The following is an entry in ClinVar:

NM_015450.3(POT1):c.1280A>G (p.Lys427Arg)

Gene: POT1 (protection of telomeres 1; minus strand). Cytogenetic location: 7q31.33.
Variant type: single nucleotide variant.
Coding change: c.1280A>G on transcript NM_015450.3 (MANE Select); coding-DNA position 1280, A replaced by G.
Protein change: p.Lys427Arg; replaces lysine 427 with arginine.
Molecular consequence: missense variant. On other transcripts: non-coding transcript variant (3).
Genome position (GRCh38, 1-based): chr7:124,841,062, T>C on the plus strand (A>G on the coding strand, the complement: POT1 is on the minus strand). VCF-style: chr7-124841062-T-C. GRCh37 (hg19) VCF-style: chr7-124481116-T-C.
Other names: c.887A>G, p.Lys296Arg (NM_001042594.2); short protein forms K296R, K427R.
Identifiers: ClinVar variation 2565246 (VCV002565246.2), dbSNP rs1187946222, ClinGen allele CA369067160.

ClinVar aggregate classification (germline): Uncertain significance (1 of 4 stars; one submission).

Conditions:
Hereditary cancer-predisposing syndrome. Also called: Neoplastic Syndromes, Hereditary; Hereditary Cancer Syndrome; Hereditary neoplastic syndrome; Tumor predisposition. Identifiers: Orphanet 140162, MedGen C0027672, MeSH D009386, MONDO:0015356.

gnomAD v4.1: 4 of 1,612,836 alleles (0.00025%); highest among the groups gnomAD compares: Non-Finnish European, 0.00025%; no homozygotes.

Submission:

Ambry Genetics
Classification: Uncertain significance for Hereditary cancer-predisposing syndrome. Last evaluated: 2023-04-19. Review status: criteria provided, single submitter. Criteria: Ambry Variant Classification Scheme 2023. Collection method: clinical testing. Allele origin: germline.
Comment: The p.K427R variant (also known as c.1280A>G), located in coding exon 10 of the POT1 gene, results from an A to G substitution at nucleotide position 1280. The lysine at codon 427 is replaced by arginine, an amino acid with highly similar properties. This alteration was identified in 1 of 2928 melanoma cases and 0 of 3298 controls (Simonin-Wilmer I et al. J Med Genet, 2022 Dec). This alteration was also identified in an individual with a personal history of a melanoma exhibiting areas of spitzoid and nonspitzoid differentiation (Goldstein AM et al. JAAD Int, 2023 Jun;11:43-51). This amino acid position is not well conserved in available vertebrate species. In addition, this alteration is predicted to be tolerated by in silico analysis. Since supporting evidence is limited at this time, the clinical significance of this alteration remains unclear.

Literature cited by the submitters: PubMed 36539277; PubMed 36876055.